The following is an entry in ClinVar:

ClinVar aggregate classification (germline): Likely benign. Review status: criteria provided, multiple submitters, no conflicts (2 of 4 stars). 2 submissions from 2 submitters: Likely benign (2). Last evaluated 2025-02-10.

Conditions:
Familial hemophagocytic lymphohistiocytosis 4 (FHL4). Also called: STX11-Related Familial Hemophagocytic Lymphohistiocytosis (STX11-fHLH). Identifiers: Orphanet 540, MedGen C1863728, MONDO:0011336, OMIM 603552.

Allele frequency attached by ClinVar (database versions not stated): gnomAD 0.00001; TOPMed 0.00001.
gnomAD v4.1: 18 of 1,612,334 alleles (0.0011%); highest among the groups gnomAD compares: African/African-American, 0.0013%; no homozygotes.

Submissions (2):

Mayo Clinic Laboratories, Mayo Clinic
Classification: Likely benign. Last evaluated: 2025-02-10. Review status: criteria provided, single submitter. Criteria: ACMG Guidelines, 2015. Collection method: clinical testing. Allele origin: germline. Observed: 1 variant allele.
Comment: BP4, BP7

Labcorp Genetics (formerly Invitae), Labcorp
Classification: Likely benign for Familial hemophagocytic lymphohistiocytosis 4. Last evaluated: 2024-11-03. Review status: criteria provided, single submitter. Criteria: Invitae Variant Classification Sherloc (09022015). Collection method: clinical testing. Allele origin: germline.

NM_003764.4(STX11):c.825C>T (p.Cys275=)

Gene: STX11 (syntaxin 11; plus strand). Cytogenetic location: 6q24.2.
Variant type: single nucleotide variant.
Coding change: c.825C>T on transcript NM_003764.4 (MANE Select); coding-DNA position 825, C replaced by T.
Protein change: p.Cys275=; no amino-acid change (cysteine 275 retained).
Molecular consequence: synonymous variant.
Genome position (GRCh38, 1-based): chr6:144,187,452, C>T. VCF-style: chr6-144187452-C-T. GRCh37 (hg19) VCF-style: chr6-144508589-C-T.
Other names: p.Cys275=.
Identifiers: ClinVar variation 2143163 (VCV002143163.5), dbSNP rs765169697, ClinGen allele CA4031798.
Genomic context (GRCh38, chr6:144,187,452, plus strand): 5'-CACCGGCCAGGCCAAGGCGCAGGTGCGGAAGGCCGTGCAGTACGAGGAGAAGAACCCCTG[C>T]CGGACCCTCTGCTGCTTCTGCTGTCCCTGCCTCAAGTAGCAGGCCGGCCCGGGCCGCCAC-3'
Protein context (NP_003755.2, residues 265-285): KAVQYEEKNP[Cys275=]RTLCCFCCPC